The following is an entry in ClinVar:

NM_022168.4(IFIH1):c.2946C>T (p.Leu982=)

Gene: IFIH1 (interferon induced with helicase C domain 1; minus strand). Cytogenetic location: 2q24.2.
Variant type: single nucleotide variant.
Coding change: c.2946C>T on transcript NM_022168.4 (MANE Select); coding-DNA position 2946, C replaced by T.
Protein change: p.Leu982=; no amino-acid change (leucine 982 retained).
Molecular consequence: synonymous variant.
Genome position (GRCh38, 1-based): chr2:162,267,332, G>A on the plus strand (C>T on the coding strand, the complement: IFIH1 is on the minus strand). VCF-style: chr2-162267332-G-A. GRCh37 (hg19) VCF-style: chr2-163123842-G-A.
Other names: c.2946C>T, p.Leu982= (LRG_1235t1).
Identifiers: ClinVar variation 474957 (VCV000474957.45), dbSNP rs74162089, ClinGen allele CA1934012.
Genomic context (GRCh38, chr2:162,267,332, plus strand): 5'-CTTTTTGTATTGTTTCTTTGTTGAATTATTTTTGAAAACCACTACAAAATTCCTTATTTT[G>A]AGACAAGGCAAATCTAAGCCTTTGTGCACCATCATTGTTCCCCAAGCCTGGAAAACAAAA-3'
Protein context (NP_071451.2, residues 972-992): MVHKGLDLPC[Leu982=]KIRNFVVVFK

ClinVar aggregate classification (germline): Benign/Likely benign. Review status: criteria provided, multiple submitters, no conflicts (2 of 4 stars). 7 submissions from 7 submitters: Benign (4); Likely benign (2). 1 of the submissions does not count toward it. Last evaluated 2026-04-01.

Conditions:
Singleton-Merten syndrome 1 (SGMRT1). Also called: Widened medullary cavities of bone, aortic calcification, abnormal dentition, and muscular weakness; Syndrome of widened medullary cavities of the metacarpals and phalanges, aortic calcification and abnormal dentition. Identifiers: Orphanet 85191, MedGen C4225427, MONDO:0024535, OMIM 182250.
Immunodeficiency 95 (IMD95). Identifiers: MedGen C5676929, MONDO:0030692, OMIM 619773.
Aicardi-Goutieres syndrome 7 (AGS7). Identifiers: Orphanet 51, MedGen C3888244, MONDO:0014367, OMIM 615846.
IFIH1-related disorder. Also called: IFIH1-related condition.

Allele frequency attached by ClinVar (database versions not stated): gnomAD exomes 0.00116 and 0.00125; ExAC 0.00141; ESP Exome Variant Server 0.00223; gnomAD 0.00235 and 0.00240; TOPMed 0.00242; 1000 Genomes Project 0.00280; 1000 Genomes Project 30x 0.00281.
gnomAD v4.1: 2,095 of 1,612,746 alleles (0.13%); highest among the groups gnomAD compares: Middle Eastern, 1.5%; 8 homozygotes.

Submissions (7):

CeGaT Center for Human Genetics Tuebingen
Classification: Likely benign. Last evaluated: 2026-04-01. Review status: criteria provided, single submitter. Criteria: CeGaT Center For Human Genetics Tuebingen Variant Classification Criteria Version 2. Collection method: clinical testing. Allele origin: germline. Affected: yes. Observed: 21 variant alleles.
Comment: IFIH1: BP4, BP7

Labcorp Genetics (formerly Invitae), Labcorp
Classification: Benign for Aicardi-Goutieres syndrome 7; Singleton-Merten syndrome 1. Last evaluated: 2026-02-03. Review status: criteria provided, single submitter. Criteria: Invitae Variant Classification Sherloc (09022015). Collection method: clinical testing. Allele origin: germline.

Women's Health and Genetics/Laboratory Corporation of America, LabCorp
Classification: Benign. Last evaluated: 2026-01-22. Review status: criteria provided, single submitter. Criteria: LabCorp Variant Classification Summary - May 2015. Collection method: clinical testing. Allele origin: germline.

Blueprint Genetics
Classification: Likely benign. Last evaluated: 2024-11-19. Review status: criteria provided, single submitter. Criteria: ACMG Guidelines, 2015. Collection method: clinical testing. Allele origin: germline.

Fulgent Genetics
Classification: Benign for Singleton-Merten syndrome 1; Aicardi-Goutieres syndrome 7; Immunodeficiency 95. Last evaluated: 2021-09-01. Review status: criteria provided, single submitter. Criteria: ACMG Guidelines, 2015. Collection method: clinical testing. Allele origin: unknown.

Breakthrough Genomics
Classification: Benign. Review status: criteria provided, single submitter. Criteria: ACMG Guidelines, 2015. Collection method: not provided. Allele origin: germline. Inheritance: Autosomal recessive inheritance. Affected: yes.

PreventionGenetics, part of Exact Sciences
Classification: Likely benign for IFIH1-related condition. Last evaluated: 2020-02-28. Review status: no assertion criteria provided. Collection method: clinical testing. Allele origin: germline. Not counted in ClinVar's aggregate classification.
Comment: This variant is classified as likely benign based on ACMG/AMP sequence variant interpretation guidelines (Richards et al. 2015 PMID: 25741868, with internal and published modifications).